The following is an entry in ClinVar:

ClinVar aggregate classification (germline): Benign (1 of 4 stars; one submission).

Allele frequency attached by ClinVar (database versions not stated): TOPMed 0.04802; gnomAD 0.05213 and 0.05280; 1000 Genomes Project 30x 0.05372; 1000 Genomes Project 0.05451.
gnomAD v4.1: 7,982 of 152,134 alleles (5.2%); highest among the groups gnomAD compares: East Asian, 9.1%; 257 homozygotes.

Submission:

GeneDx
Classification: Benign. Last evaluated: 2018-06-16. Review status: criteria provided, single submitter. Criteria: GeneDx Variant Classification (06012015). Collection method: clinical testing. Allele origin: germline. Affected: yes.
Comment: This variant is considered likely benign or benign based on one or more of the following criteria: it is a conservative change, it occurs at a poorly conserved position in the protein, it is predicted to be benign by multiple in silico algorithms, and/or has population frequency not consistent with disease.

NM_016097.5(IER3IP1):c.194-290C>A

Gene: IER3IP1 (immediate early response 3 interacting protein 1; minus strand). Cytogenetic location: 18q21.1.
Variant type: single nucleotide variant.
Coding change: c.194-290C>A on transcript NM_016097.5 (MANE Select); 290 bases into the intron before coding-DNA position 194, C replaced by A.
Molecular consequence: intron variant.
Genome position (GRCh38, 1-based): chr18:47,156,522, G>T on the plus strand (C>A on the coding strand, the complement: IER3IP1 is on the minus strand). VCF-style: chr18-47156522-G-T. GRCh37 (hg19) VCF-style: chr18-44682893-G-T.
Identifiers: ClinVar variation 673716 (VCV000673716.1), dbSNP rs12326221, ClinGen allele CA300177325.